The following is an entry in ClinVar:

ClinVar aggregate classification (germline): Pathogenic. Review status: criteria provided, multiple submitters, no conflicts (2 of 4 stars). 3 submissions from 3 submitters: Pathogenic (3). Last evaluated 2024-08-29.

Conditions:
Inborn genetic diseases. Identifiers: MedGen C0950123, MeSH D030342.
Hypotonia, ataxia, and delayed development syndrome (HADDS). Also called: EBF3 Neurodevelopmental Disorder. Identifiers: Orphanet 658843, MedGen C4310618, MONDO:0015021, OMIM 617330.

Submissions (3):

Institute of Human Genetics, University of Leipzig Medical Center
Classification: Pathogenic for Hypotonia, ataxia, and delayed development syndrome. Last evaluated: 2024-08-29. Review status: criteria provided, single submitter. Criteria: ACMG Guidelines, 2015. Collection method: clinical testing. Allele origin: de novo. Inheritance: Autosomal dominant inheritance. Affected: yes.
Comment: Criteria applied: PVS1,PM2,PS2_MOD,PS4_SUP

Ambry Genetics
Classification: Pathogenic for Inborn genetic diseases. Last evaluated: 2024-04-22. Review status: criteria provided, single submitter. Criteria: Ambry Variant Classification Scheme 2023. Collection method: clinical testing. Allele origin: germline.
Comment: The c.1402_1414del13 (p.T468Pfs*10) alteration, located in exon 14 (coding exon 14) of the EBF3 gene, consists of a deletion of 13 nucleotides from position 1402 to 1414, causing a translational frameshift with a predicted alternate stop codon after 10 amino acids. This alteration is expected to result in loss of function by premature protein truncation or nonsense-mediated mRNA decay. This variant was not reported in population-based cohorts in the Genome Aggregation Database (gnomAD). This variant has been determined to be the result of a de novo mutation in one individual with features consistent with EBF3-related neurodevelopmental disorder (Tanaka, 2017). Based on the available evidence, this alteration is classified as pathogenic.

GeneDx
Classification: Pathogenic. Last evaluated: 2022-04-12. Review status: criteria provided, single submitter. Criteria: GeneDx Variant Classification Process June 2021. Collection method: clinical testing. Allele origin: germline. Affected: yes.
Comment: Frameshift variant predicted to result in protein truncation or nonsense mediated decay in a gene for which loss-of-function is a known mechanism of disease; Not observed in large population cohorts (gnomAD); This variant is associated with the following publications: (PMID: 29162653)

Literature cited by the submitters: PubMed 29162653 (cited by Ambry Genetics).

NM_001375380.1(EBF3):c.1429_1441del (p.Thr477fs)

Gene: EBF3 (EBF transcription factor 3; minus strand). Cytogenetic location: 10q26.3.
Variant type: Deletion.
Coding change: c.1429_1441del on transcript NM_001375380.1 (MANE Select); coding-DNA positions 1429 to 1441, 13 bases deleted (ACTCCCCAGCAGT).
Protein change: p.Thr477fs; shifts the reading frame from threonine 477.
Molecular consequence: frameshift variant. On other transcripts: intron variant (1).
Genome position (GRCh38, 1-based): chr10:129,840,964-129,840,976, ACTGCTGGGGAGT deleted on the plus strand (ACTCCCCAGCAGT on the coding strand, the reverse complement: EBF3 is on the minus strand); deleting any 13 consecutive bases within chr10:129,840,964-129,840,987 gives the same sequence; the c. name uses the placement nearest the transcript's 3' end. VCF-style (leftmost placement, unchanged base first): chr10-129840963-GACTGCTGGGGAGT-G. GRCh37 (hg19) VCF-style: chr10-131639227-GACTGCTGGGGAGT-G.
Other names: c.1402_1414delACTCCCCAGCAGT (NM_001005463.2); c.1402_1414del, p.Thr468fs (NM_001005463.3, NM_001375390.1); c.1429_1441del, p.Thr477fs (NM_001375379.1, NM_001375389.1, NM_001375391.1); c.1346-534_1346-522del (NM_001375392.1); short protein forms T468fs, T477fs.
Identifiers: ClinVar variation 421178 (VCV000421178.8), dbSNP rs1064794961, ClinGen allele CA16618940.